The following is an entry in ClinVar:

NM_001171.6(ABCC6):c.1263C>T (p.Thr421=)

Gene: ABCC6 (ATP binding cassette subfamily C member 6; minus strand). Cytogenetic location: 16p13.11.
Variant type: single nucleotide variant.
Coding change: c.1263C>T on transcript NM_001171.6 (MANE Select); coding-DNA position 1263, C replaced by T.
Protein change: p.Thr421=; no amino-acid change (threonine 421 retained).
Molecular consequence: synonymous variant. On other transcripts: non-coding transcript variant (1).
Genome position (GRCh38, 1-based): chr16:16,198,096, G>A on the plus strand (C>T on the coding strand, the complement: ABCC6 is on the minus strand). VCF-style: chr16-16198096-G-A. GRCh37 (hg19) VCF-style: chr16-16291953-G-A.
Other names: p.Thr421=; c.921C>T, p.Thr307= (NM_001351800.1).
Identifiers: ClinVar variation 384808 (VCV000384808.44), dbSNP rs114179357, ClinGen allele CA7926388.

ClinVar aggregate classification (germline): Conflicting classifications of pathogenicity. Review status: criteria provided, conflicting classifications (1 of 4 stars). 9 submissions from 9 submitters: Uncertain significance (1); Benign (1); Likely benign (5). 2 of the submissions do not count toward it. Last evaluated 2026-05-01.

Conditions:
ABCC6-related disorder. Also called: ABCC6-related condition.

Allele frequency attached by ClinVar (database versions not stated): 1000 Genomes Project 30x 0.00094; 1000 Genomes Project 0.00100; gnomAD exomes 0.00166 and 0.00315; TOPMed 0.00172; gnomAD 0.00173 and 0.00180; ExAC 0.00186; ESP Exome Variant Server 0.00269.
gnomAD v4.1: 4,871 of 1,613,726 alleles (0.3%); highest among the groups gnomAD compares: Non-Finnish European, 0.38%; 10 homozygotes.

Submissions (9):

PreventionGenetics, part of Exact Sciences
Classification: Likely benign for ABCC6-related condition. Last evaluated: 2026-05-01. Review status: criteria provided, single submitter. Criteria: ACMG Guidelines, 2015. Collection method: clinical testing. Allele origin: germline.
Comment: This variant is classified as likely benign based on ACMG/AMP sequence variant interpretation guidelines (Richards et al. 2015 PMID: 25741868, with internal and published modifications).

CeGaT Center for Human Genetics Tuebingen
Classification: Likely benign. Last evaluated: 2026-02-01. Review status: criteria provided, single submitter. Criteria: CeGaT Center For Human Genetics Tuebingen Variant Classification Criteria Version 2. Collection method: clinical testing. Allele origin: germline. Affected: yes. Observed: 6 variant alleles.
Comment: ABCC6: BP4, BP7

Labcorp Genetics (formerly Invitae), Labcorp
Classification: Benign. Last evaluated: 2026-02-01. Review status: criteria provided, single submitter. Criteria: Invitae Variant Classification Sherloc (09022015). Collection method: clinical testing. Allele origin: germline.

Mayo Clinic Laboratories, Mayo Clinic
Classification: Likely benign. Last evaluated: 2025-09-24. Review status: criteria provided, single submitter. Criteria: ACMG Guidelines, 2015. Collection method: clinical testing. Allele origin: germline. Observed: 1 variant allele.
Comment: BS1, BP4, BP7

Blueprint Genetics
Classification: Likely benign. Last evaluated: 2024-11-22. Review status: criteria provided, single submitter. Criteria: ACMG Guidelines, 2015. Collection method: clinical testing. Allele origin: germline.

Eurofins Ntd Llc (ga)
Classification: Uncertain significance. Last evaluated: 2017-05-08. Review status: criteria provided, single submitter. Criteria: EGL Classification Definitions 2015. Collection method: clinical testing. Allele origin: germline. Observed: 1 variant allele, 1 heterozygote.

GeneDx
Classification: Likely benign. Last evaluated: 2016-06-03. Review status: criteria provided, single submitter. Criteria: GeneDx Variant Classification (06012015). Collection method: clinical testing. Allele origin: germline. Affected: yes.
Comment: This variant is considered likely benign or benign based on one or more of the following criteria: it is a conservative change, it occurs at a poorly conserved position in the protein, it is predicted to be benign by multiple in silico algorithms, and/or has population frequency not consistent with disease.

Clinical Genetics DNA and cytogenetics Diagnostics Lab, Erasmus MC, Erasmus Medical Center
Classification: Likely benign. Review status: no assertion criteria provided. Collection method: clinical testing. Allele origin: germline. Affected: yes. Study: VKGL Data-share Consensus. Not counted in ClinVar's aggregate classification.

Clinical Genetics, Academic Medical Center
Classification: Benign. Review status: no assertion criteria provided. Collection method: clinical testing. Allele origin: germline. Affected: yes. Study: VKGL Data-share Consensus. Not counted in ClinVar's aggregate classification.